The following is an entry in ClinVar:

ClinVar aggregate classification (germline): Likely benign (0 of 4 stars; one submission).

Conditions:
RORA-related disorder. Also called: RORA-related condition.

Allele frequency attached by ClinVar (database versions not stated): TOPMed 0.00002; gnomAD 0.00003; gnomAD exomes 0.00004.
gnomAD v4.1: 61 of 1,611,832 alleles (0.0038%); highest among the groups gnomAD compares: Non-Finnish European, 0.0047%; no homozygotes.

Submission:

PreventionGenetics, part of Exact Sciences
Classification: Likely benign for RORA-related condition. Last evaluated: 2022-06-16. Review status: no assertion criteria provided. Collection method: clinical testing. Allele origin: germline.
Comment: This variant is classified as likely benign based on ACMG/AMP sequence variant interpretation guidelines (Richards et al. 2015 PMID: 25741868, with internal and published modifications).

NM_134261.3(RORA):c.466T>C (p.Leu156=)

Genes: RORA (RAR related orphan receptor A; minus strand), RORA-AS1 (RORA antisense RNA 1; plus strand). Cytogenetic location: 15q22.2.
Variant type: single nucleotide variant.
Coding change: c.466T>C on transcript NM_134261.3 (MANE Select); coding-DNA position 466, T replaced by C.
Protein change: p.Leu156=; no amino-acid change (leucine 156 retained).
Molecular consequence: synonymous variant.
Genome position (GRCh38, 1-based): chr15:60,511,580, A>G on the plus strand (T>C on the coding strand, the complement: RORA is on the minus strand). VCF-style: chr15-60511580-A-G. GRCh37 (hg19) VCF-style: chr15-60803779-A-G.
Other names: c.541T>C, p.Leu181= (NM_002943.4); c.565T>C, p.Leu189= (NM_134260.3); c.301T>C, p.Leu101= (NM_134262.3).
Identifiers: ClinVar variation 3043817 (VCV003043817.2), dbSNP rs200228739, ClinGen allele CA271867427.